The following is an entry in ClinVar:

ClinVar aggregate classification (germline): Uncertain significance (1 of 4 stars; one submission).

Conditions:
Nephrotic syndrome, IIa 26. Also called: Nephrotic syndrome, type 26. Identifiers: MedGen C5774221, MONDO:0031061, OMIM 620049.

gnomAD v4.1: 1 of 1,515,708 alleles (0.000066%); no homozygotes.

Submission:

Neuberg Centre For Genomic Medicine, NCGM
Classification: Uncertain significance for Nephrotic syndrome, IIa 26. Last evaluated: 2023-06-22. Review status: criteria provided, single submitter. Criteria: ACMG Guidelines, 2015. Collection method: clinical testing. Allele origin: germline. Inheritance: Autosomal recessive inheritance. Affected: yes.
Comment: The observed missense c.5755G>Cp.Val1919Leu variant in LAMA5 gene has not been reported previously as a pathogenic variant nor as a benign variant, to our knowledge. This variant is absent in gnomAD Exomes. The amino acid Val at position 1919 is changed to a Leu changing protein sequence and it might alter its composition and physico-chemical properties. The amino acid change p.Val1919Leu in LAMA5 is predicted as conserved by GERP++ and PhyloP across 100 vertebrates. Multiple lines of computational evidence Polyphen - Damaging, SIFT - Damaging, and MutationTaster - Disease causing predict a damaging effect on protein structure and function for this variant. For these reasons, this variant has been classified as Uncertain Significance.

NM_005560.6(LAMA5):c.5755G>C (p.Val1919Leu)

Gene: LAMA5 (laminin subunit alpha 5; minus strand). Cytogenetic location: 20q13.33.
Variant type: single nucleotide variant.
Coding change: c.5755G>C on transcript NM_005560.6 (MANE Select); coding-DNA position 5755, G replaced by C.
Protein change: p.Val1919Leu; replaces valine 1919 with leucine.
Molecular consequence: missense variant.
Genome position (GRCh38, 1-based): chr20:62,324,093, C>G on the plus strand (G>C on the coding strand, the complement: LAMA5 is on the minus strand). VCF-style: chr20-62324093-C-G. GRCh37 (hg19) VCF-style: chr20-60899149-C-G.
Other names: short protein forms V1919L.
Identifiers: ClinVar variation 3391395 (VCV003391395.1).